The following is an entry in ClinVar:

NM_007294.4(BRCA1):c.5520C>T (p.Asp1840=)

Gene: BRCA1 (BRCA1 DNA repair associated; minus strand). Cytogenetic location: 17q21.31.
Variant type: single nucleotide variant.
Coding change: c.5520C>T on transcript NM_007294.4 (MANE Select); coding-DNA position 5520, C replaced by T.
Protein change: p.Asp1840=; no amino-acid change (aspartic acid 1840 retained).
Molecular consequence: synonymous variant. On other transcripts: 3 prime UTR variant (17).
Genome position (GRCh38, 1-based): chr17:43,045,750, G>A on the plus strand (C>T on the coding strand, the complement: BRCA1 is on the minus strand). VCF-style: chr17-43045750-G-A. GRCh37 (hg19) VCF-style: chr17-41197767-G-A.
Other names: c.5397C>T, p.Asp1799= (NM_001407667.1, NM_001407668.1, NM_001407669.1 and 3 more transcripts); c.5394C>T, p.Asp1798= (NM_001407670.1, NM_001407671.1, NM_001407672.1 and 8 more transcripts); c.5391C>T, p.Asp1797= (NM_001407681.1, NM_001407682.1, NM_001407683.1 and 6 more transcripts); c.5388C>T, p.Asp1796= (NM_001407690.1, NM_001407691.1); c.5379C>T, p.Asp1793= (NM_001407692.1, NM_001407694.1, NM_001407695.1 and 12 more transcripts); c.5376C>T, p.Asp1792= (NM_001407732.1, NM_001407733.1, NM_001407734.1 and 18 more transcripts); c.5373C>T, p.Asp1791= (NM_001407838.1, NM_001407839.1, NM_001407841.1 and 12 more transcripts); c.*34C>T (NM_001407854.1, NM_001407858.1, NM_001407859.1 and 14 more transcripts); and 74 more.
Identifiers: ClinVar variation 868616 (VCV000868616.5), dbSNP rs2050873874, ClinGen allele CA500142899.

ClinVar aggregate classification (germline): Likely benign (1 of 4 stars; one submission).

Conditions:
Hereditary cancer-predisposing syndrome. Also called: Neoplastic Syndromes, Hereditary; Tumor predisposition; Hereditary Cancer Syndrome; Hereditary neoplastic syndrome. Identifiers: Orphanet 140162, MedGen C0027672, MeSH D009386, MONDO:0015356.

Submissions (2):

Color Diagnostics, LLC DBA Color Health
Classification: Likely benign for Hereditary cancer-predisposing syndrome. Last evaluated: 2021-03-08. Review status: criteria provided, single submitter. Criteria: ACMG Guidelines, 2015. Collection method: clinical testing. Allele origin: germline.

Brotman Baty Institute, University of Washington
No classification provided (evidence only). Condition: Breast-ovarian cancer, familial 1. Review status: no classification provided. Collection method: in vitro. Allele origin: not applicable. Functional consequence: functionally_normal. Not counted in ClinVar's aggregate classification.
ClinVar note: "not provided" was previously submitted as the classification for the variant. However, the classification appeared to be based only on an observation of functional data so it was converted to no classification on 2025-07-30.